The following is an entry in ClinVar:

ClinVar aggregate classification (germline): Pathogenic/Likely pathogenic. Review status: criteria provided, multiple submitters, no conflicts (2 of 4 stars). 6 submissions from 6 submitters: Pathogenic (3); Likely pathogenic (2). 1 of the submissions does not count toward it. Last evaluated 2025-09-22.

Conditions:
RECQL4-related disorder. Also called: RECQL4-related condition; RECQL4-related disorders.
Rothmund-Thomson syndrome type 2 (RTS2). Identifiers: Orphanet 221016, MedGen C5203410, MONDO:0016369, OMIM 268400.
Baller-Gerold syndrome (BGS). Also called: CRANIOSYNOSTOSIS WITH RADIAL DEFECTS. Identifiers: Orphanet 1225, MedGen C0265308, MONDO:0009039, OMIM 218600.
Rapadilino syndrome. Identifiers: Orphanet 3021, MedGen C1849453, MONDO:0009955, OMIM 266280.
Congenital heart disease (CHD). Identifiers: MedGen C0152021, MONDO:0005453. Disease mechanism: unknown.

Allele frequency attached by ClinVar (database versions not stated): gnomAD exomes 0.00001 and 0.00002; gnomAD 0.00003 and 0.00005; TOPMed 0.00003; ESP Exome Variant Server 0.00025.

Submissions (6):

Labcorp Genetics (formerly Invitae), Labcorp
Classification: Pathogenic for Baller-Gerold syndrome. Last evaluated: 2025-09-22. Review status: criteria provided, single submitter. Criteria: Invitae Variant Classification Sherloc (09022015). Collection method: clinical testing. Allele origin: germline.
Comment: This sequence change creates a premature translational stop signal (p.Val1026Cysfs*18) in the RECQL4 gene. It is expected to result in an absent or disrupted protein product. Loss-of-function variants in RECQL4 are known to be pathogenic (PMID: 12734318, 12952869). This variant is present in population databases (rs386833852, gnomAD 0.004%). This premature translational stop signal has been observed in individual(s) with RAPADILINO syndrome (PMID: 18716613). ClinVar contains an entry for this variant (Variation ID: 56407). For these reasons, this variant has been classified as Pathogenic.

Blueprint Genetics
Classification: Likely pathogenic for RECQL4-related disorders. Last evaluated: 2024-04-25. Review status: criteria provided, single submitter. Criteria: ACMG Guidelines, 2015. Collection method: clinical testing. Allele origin: germline. Affected: yes. Observed: 2 variant alleles.

Department of Pathology and Laboratory Medicine, Sinai Health System
Classification: Likely pathogenic for congenital heart disease. Last evaluated: 2023-04-19. Review status: criteria provided, single submitter. Criteria: ACMG Guidelines, 2015. Collection method: research. Allele origin: germline.

CeGaT Center for Human Genetics Tuebingen
Classification: Pathogenic. Last evaluated: 2019-10-01. Review status: criteria provided, single submitter. Criteria: CeGaT Center For Human Genetics Tuebingen Variant Classification Criteria Version 2. Collection method: clinical testing. Allele origin: germline. Affected: yes. Observed: 1 variant allele.

Juno Genomics, Hangzhou Juno Genomics, Inc
Classification: Pathogenic for Baller-Gerold syndrome; Rapadilino syndrome; Rothmund-Thomson syndrome type 2. Review status: criteria provided, single submitter. Criteria: ACMG Guidelines, 2015. Collection method: clinical testing. Allele origin: germline.
Comment: Absent from controls (or at extremely low frequency if recessive) in Genome Aggregation Database.;Null variant in a gene where loss of function (LOF) is a known mechanism of disease.;For recessive disorders, detected in trans with a pathogenic variant.;Patient's phenotype or family history is highly specific for a disease with a single genetic etiology.

Juha Muilu Group; Institute for Molecular Medicine Finland (FIMM)
Classification: Likely pathogenic for Rapadilino syndrome. Review status: no assertion criteria provided. Collection method: not provided. Allele origin: unknown. Not counted in ClinVar's aggregate classification.
Comment: FinDis database variant: This variant was not found or characterized by our laboratory, data were collected from public sources: see reference
ClinVar note: Converted during submission from probable-pathogenic to Likely pathogenic.

Literature cited by the submitters: PubMed 12734318 (cited by Labcorp Genetics (formerly Invitae), Labcorp); PubMed 12952869 (cited by Labcorp Genetics (formerly Invitae), Labcorp); PubMed 18716613 (cited by Labcorp Genetics (formerly Invitae), Labcorp).

NM_004260.4(RECQL4):c.3072del (p.Val1026fs)

Gene: RECQL4 (RecQ like helicase 4; minus strand). Cytogenetic location: 8q24.3.
Variant type: Deletion.
Coding change: c.3072del on transcript NM_004260.4 (MANE Select); coding-DNA position 3072, one base deleted (A; older notation c.3072delA).
Protein change: p.Val1026fs; shifts the reading frame from valine 1026.
Molecular consequence: frameshift variant.
Genome position (GRCh38, 1-based): chr8:144,512,308, T deleted on the plus strand (A on the coding strand, the reverse complement: RECQL4 is on the minus strand). VCF-style (leftmost placement, unchanged base first): chr8-144512307-CT-C. GRCh37 (hg19) VCF-style: chr8-145737690-CT-C.
Other names: c.3072delA (NM_004260.3); short protein forms V1026fs.
Identifiers: ClinVar variation 56407 (VCV000056407.53), dbSNP rs386833852, ClinGen allele CA144337.